The following is an entry in ClinVar:

NM_001009185.3(ACSL6):c.1234C>T (p.Arg412Cys)

Gene: ACSL6 (acyl-CoA synthetase long chain family member 6; minus strand). Cytogenetic location: 5q31.1.
Variant type: single nucleotide variant.
Coding change: c.1234C>T on transcript NM_001009185.3 (MANE Select); coding-DNA position 1234, C replaced by T.
Protein change: p.Arg412Cys; replaces arginine 412 with cysteine.
Molecular consequence: missense variant. On other transcripts: non-coding transcript variant (3).
Genome position (GRCh38, 1-based): chr5:131,972,828, G>A on the plus strand (C>T on the coding strand, the complement: ACSL6 is on the minus strand). VCF-style: chr5-131972828-G-A. GRCh37 (hg19) VCF-style: chr5-131308521-G-A.
Other names: c.1129C>T, p.Arg377Cys (NM_001205247.2, NM_001405485.1, NM_001405486.1); c.1159C>T, p.Arg387Cys (NM_001205248.2, NM_001405479.1, NM_001405480.1 and 4 more transcripts); c.1192C>T, p.Arg398Cys (NM_001205250.1, NM_001405478.1); c.934C>T, p.Arg312Cys (NM_001205251.2, NM_001405490.1); c.1228C>T, p.Arg410Cys (NM_001405475.1); c.1204C>T, p.Arg402Cys (NM_001405476.1); c.1198C>T, p.Arg400Cys (NM_001405477.1); c.1054C>T, p.Arg352Cys (NM_001405487.1, NM_001405488.1, NM_001405489.1); and 1 more; short protein forms R312C, R352C, R377C, R387C, R398C, R400C, R402C, R410C.
Identifiers: ClinVar variation 3050281 (VCV003050281.2), dbSNP rs140341663, ClinGen allele CA3401366.

ClinVar aggregate classification (germline): Likely benign (0 of 4 stars; one submission).

Conditions:
ACSL6-related disorder. Also called: ACSL6-related condition.

Allele frequency attached by ClinVar (database versions not stated): ExAC 0.00059; ESP Exome Variant Server 0.00192; gnomAD 0.00197; 1000 Genomes Project 30x 0.00203; 1000 Genomes Project 0.00220; TOPMed 0.00229.
gnomAD v4.1: 617 of 1,614,176 alleles (0.038%); highest among the groups gnomAD compares: African/African-American, 0.65%; 3 homozygotes.

Submission:

PreventionGenetics, part of Exact Sciences
Classification: Likely benign for ACSL6-related condition. Last evaluated: 2022-05-16. Review status: no assertion criteria provided. Collection method: clinical testing. Allele origin: germline.
Comment: This variant is classified as likely benign based on ACMG/AMP sequence variant interpretation guidelines (Richards et al. 2015 PMID: 25741868, with internal and published modifications).